The following is an entry in ClinVar:

ClinVar aggregate classification (germline): Uncertain significance. Review status: criteria provided, multiple submitters, no conflicts (2 of 4 stars). 3 submissions from 3 submitters: Uncertain significance (3). Last evaluated 2024-10-22.

Conditions:
Donnai-Barrow syndrome. Also called: FACIOOCULOACOUSTICORENAL SYNDROME; DBS/FOAR SYNDROME. Identifiers: Orphanet 2143, MedGen C1857277, MONDO:0009104, OMIM 222448.

Allele frequency attached by ClinVar (database versions not stated): ExAC 0.00001; gnomAD exomes 0.00001; TOPMed 0.00002; gnomAD 0.00003.
gnomAD v4.1: 26 of 1,613,484 alleles (0.0016%); highest among the groups gnomAD compares: Non-Finnish European, 0.0019%; no homozygotes.

Submissions (3):

Dasa
Classification: Uncertain significance for Donnai-Barrow syndrome. Last evaluated: 2024-10-22. Review status: criteria provided, single submitter. Criteria: DASA Assertion Criteria. Collection method: clinical testing. Allele origin: germline.
Comment: NM_004525.3(LRP2):c.100C>T (p.Arg34Cys) is a missense variant that results in the substitution of arginine with cysteine. This variant is rare in population databases. Computational prediction algorithms are consistent with a deleterious effect. The currently available literature and clinical evidence are not sufficient to establish a definitive association between this variant and the reported condition. Therefore, this variant is classified as a variant of uncertain significance.

Labcorp Genetics (formerly Invitae), Labcorp
Classification: Uncertain significance. Last evaluated: 2022-06-28. Review status: criteria provided, single submitter. Criteria: Invitae Variant Classification Sherloc (09022015). Collection method: clinical testing. Allele origin: germline.
Comment: This sequence change replaces arginine, which is basic and polar, with cysteine, which is neutral and slightly polar, at codon 34 of the LRP2 protein (p.Arg34Cys). The frequency data for this variant in the population databases is considered unreliable, as metrics indicate poor data quality at this position in the gnomAD database. This variant has not been reported in the literature in individuals affected with LRP2-related conditions. Advanced modeling of protein sequence and biophysical properties (such as structural, functional, and spatial information, amino acid conservation, physicochemical variation, residue mobility, and thermodynamic stability) performed at Invitae indicates that this missense variant is expected to disrupt LRP2 protein function. In summary, the available evidence is currently insufficient to determine the role of this variant in disease. Therefore, it has been classified as a Variant of Uncertain Significance.

Juno Genomics, Hangzhou Juno Genomics, Inc
Classification: Uncertain significance for Donnai-Barrow syndrome. Review status: criteria provided, single submitter. Criteria: ACMG Guidelines, 2015. Collection method: clinical testing. Allele origin: germline.
Comment: Missense variant in a gene that has a low rate of benign missense variation.;Multiple lines of computational evidence support a deleterious effect on the gene or gene product.;Absent from controls (or at extremely low frequency if recessive) in Genome Aggregation Database.

NM_004525.3(LRP2):c.100C>T (p.Arg34Cys)

Gene: LRP2 (LDL receptor related protein 2; minus strand). Cytogenetic location: 2q31.1.
Variant type: single nucleotide variant.
Coding change: c.100C>T on transcript NM_004525.3 (MANE Select); coding-DNA position 100, C replaced by T.
Protein change: p.Arg34Cys; replaces arginine 34 with cysteine.
Molecular consequence: missense variant.
Genome position (GRCh38, 1-based): chr2:169,320,864, G>A on the plus strand (C>T on the coding strand, the complement: LRP2 is on the minus strand). VCF-style: chr2-169320864-G-A. GRCh37 (hg19) VCF-style: chr2-170177374-G-A.
Other names: short protein forms R34C.
Identifiers: ClinVar variation 1377545 (VCV001377545.7), dbSNP rs747942310, ClinGen allele CA1955990.
Genomic context (GRCh38, chr2:169,320,864, plus strand): 5'-AACAGTCTTTGGTCCCATCACACCTCCAGTCTGCAGGGATGCAATGCCCACTTCCACAGC[G>A]AAAATGCGCACTGTCACATTCTGCAATAATAGACAGAAATTTTAAAAACTTATGCCATGC-3'
Protein context (NP_004516.2, residues 24-44): SGQECDSAHF[Arg34Cys]CGSGHCIPAD